The following is an entry in ClinVar:

NM_182931.3(KMT2E):c.4985T>C (p.Val1662Ala)

Gene: KMT2E (lysine methyltransferase 2E (inactive); plus strand). Cytogenetic location: 7q22.3.
Variant type: single nucleotide variant.
Coding change: c.4985T>C on transcript NM_182931.3 (MANE Select); coding-DNA position 4985, T replaced by C.
Protein change: p.Val1662Ala; replaces valine 1662 with alanine.
Molecular consequence: missense variant.
Genome position (GRCh38, 1-based): chr7:105,112,741, T>C. VCF-style: chr7-105112741-T-C. GRCh37 (hg19) VCF-style: chr7-104753188-T-C.
Other names: c.4985T>C (NM_182931.2); c.4859T>C, p.Val1620Ala (NM_001410908.1); c.4985T>C, p.Val1662Ala (NM_018682.4); short protein forms V1620A, V1662A.
Identifiers: ClinVar variation 2049885 (VCV002049885.9), dbSNP rs144315355, ClinGen allele CA4424873.

ClinVar aggregate classification (germline): Benign/Likely benign. Review status: criteria provided, multiple submitters, no conflicts (2 of 4 stars). 4 submissions from 4 submitters: Benign (1); Likely benign (2). 1 of the submissions does not count toward it. Last evaluated 2026-08-01.

Conditions:
KMT2E-related disorder. Also called: KMT2E-related condition.

Allele frequency attached by ClinVar (database versions not stated): 1000 Genomes Project 0.00020; 1000 Genomes Project 30x 0.00047; gnomAD 0.00058; ESP Exome Variant Server 0.00062; TOPMed 0.00072; ExAC 0.00115.
gnomAD v4.1: 1,254 of 1,613,462 alleles (0.078%); highest among the groups gnomAD compares: Admixed American, 0.46%; 5 homozygotes.

Submissions (4):

CeGaT Center for Human Genetics Tuebingen
Classification: Likely benign. Last evaluated: 2026-08-01. Review status: criteria provided, single submitter. Criteria: CeGaT Center For Human Genetics Tuebingen Variant Classification Criteria Version 2. Collection method: clinical testing. Allele origin: germline. Affected: yes. Observed: 3 variant alleles.
Comment: KMT2E: BS1

Labcorp Genetics (formerly Invitae), Labcorp
Classification: Benign. Last evaluated: 2026-02-01. Review status: criteria provided, single submitter. Criteria: Invitae Variant Classification Sherloc (09022015). Collection method: clinical testing. Allele origin: germline.

Blueprint Genetics
Classification: Likely benign. Last evaluated: 2024-11-20. Review status: criteria provided, single submitter. Criteria: ACMG Guidelines, 2015. Collection method: clinical testing. Allele origin: germline.

PreventionGenetics, part of Exact Sciences
Classification: Benign for KMT2E-related condition. Last evaluated: 2021-03-24. Review status: no assertion criteria provided. Collection method: clinical testing. Allele origin: germline. Not counted in ClinVar's aggregate classification.
Comment: This variant is classified as benign based on ACMG/AMP sequence variant interpretation guidelines (Richards et al. 2015 PMID: 25741868, with internal and published modifications).